The following is an entry in ClinVar:

NM_025215.6(PUS1):c.442-307C>T

Gene: PUS1 (pseudouridine synthase 1; plus strand). Cytogenetic location: 12q24.33.
Variant type: single nucleotide variant.
Coding change: c.442-307C>T on transcript NM_025215.6 (MANE Select); 307 bases into the intron before coding-DNA position 442, C replaced by T.
Molecular consequence: intron variant.
Genome position (GRCh38, 1-based): chr12:131,938,866, C>T. VCF-style: chr12-131938866-C-T. GRCh37 (hg19) VCF-style: chr12-132423411-C-T.
Other names: c.358-307C>T (NM_001002019.3, NM_001002020.3).
Identifiers: ClinVar variation 673232 (VCV000673232.1), dbSNP rs150867359, ClinGen allele CA246185817.

ClinVar aggregate classification (germline): Benign (1 of 4 stars; one submission).

Allele frequency attached by ClinVar (database versions not stated): gnomAD 0.01451 and 0.01544; TOPMed 0.01659; 1000 Genomes Project 0.01797; 1000 Genomes Project 30x 0.01858.
gnomAD v4.1: 2,187 of 152,194 alleles (1.4%); highest among the groups gnomAD compares: African/African-American, 5%; 49 homozygotes.

Submission:

GeneDx
Classification: Benign. Last evaluated: 2018-06-14. Review status: criteria provided, single submitter. Criteria: GeneDx Variant Classification (06012015). Collection method: clinical testing. Allele origin: germline. Affected: yes.
Comment: This variant is considered likely benign or benign based on one or more of the following criteria: it is a conservative change, it occurs at a poorly conserved position in the protein, it is predicted to be benign by multiple in silico algorithms, and/or has population frequency not consistent with disease.